The following is an entry in ClinVar:

NM_015506.3(MMACHC):c.634C>T (p.Gln212Ter)

Genes: MMACHC (metabolism of cobalamin associated C; plus strand), LOC129930446 (ATAC-STARR-seq lymphoblastoid active region 972; plus strand). Cytogenetic location: 1p34.1.
Variant type: single nucleotide variant.
Coding change: c.634C>T on transcript NM_015506.3 (MANE Select); coding-DNA position 634, C replaced by T.
Protein change: p.Gln212Ter; replaces glutamine 212 with a stop codon.
Molecular consequence: nonsense.
Genome position (GRCh38, 1-based): chr1:45,509,000, C>T. VCF-style: chr1-45509000-C-T. GRCh37 (hg19) VCF-style: chr1-45974672-C-T.
Other names: c.463C>T, p.Gln155Ter (NM_001330540.2); short protein forms Q155*, Q212*.
Identifiers: ClinVar variation 5004113 (VCV005004113.1).

ClinVar aggregate classification (germline): Pathogenic (1 of 4 stars; one submission).

Conditions:
Cobalamin C disease. Also called: Methylmalonic aciduria and homocystinuria, Vitamin B12-responsive; Vitamin B12 metabolic defect with combined deficiency of methylmalonyl-CoA mutase and homocysteine:methyltetrahydrofolate methyltransferase; methylmalonic aciduria and homocystinuria type cblC; Methylmalonic aciduria with homocystinuria cblC type; Cobalamin-C methylmalonic acidemia and homocystinuria; Methylmalonic acidemia and homocystinuria cblC type. Identifiers: Orphanet 26, Orphanet 79282, MedGen C1848561, MONDO:0010184, OMIM 277400.

gnomAD v4.1: 1 of 1,614,178 alleles (0.000062%); highest among the groups gnomAD compares: Non-Finnish European, 0.000085%; no homozygotes.

Submission:

Myriad Genetics, Inc.
Classification: Pathogenic for Cobalamin C disease. Last evaluated: 2025-08-08. Review status: criteria provided, single submitter. Criteria: Myriad Autosomal Dominant, Autosomal Recessive and X-Linked Classification Criteria (2023). Collection method: clinical testing. Allele origin: unknown.
Comment: NM_015506.2(MMACHC):c.634C>T(Q212*) is a nonsense variant classified as pathogenic in the context of methylmalonic aciduria and homocystinuria, cblC type. Q212* has not been observed in cases with relevant disease. Relevant functional assessments of this variant are not available in the literature. Q212* has not been observed in referenced population frequency databases. In summary, NM_015506.2(MMACHC):c.634C>T(Q212*) is a nonsense variant in a gene where loss of function is a known mechanism of disease and is predicted to disrupt protein function. Please note: this variant was assessed in the context of healthy population screening.